The following is an entry in ClinVar:

NM_001006658.3(CR2):c.1417G>A (p.Ala473Thr)

Gene: CR2 (complement C3d receptor 2; plus strand). Cytogenetic location: 1q32.2.
Variant type: single nucleotide variant.
Coding change: c.1417G>A on transcript NM_001006658.3 (MANE Select); coding-DNA position 1417, G replaced by A.
Protein change: p.Ala473Thr; replaces alanine 473 with threonine.
Molecular consequence: missense variant.
Genome position (GRCh38, 1-based): chr1:207,471,011, G>A. VCF-style: chr1-207471011-G-A. GRCh37 (hg19) VCF-style: chr1-207644356-G-A.
Other names: c.1417G>A, p.Ala473Thr (NM_001877.5); short protein forms A473T.
Identifiers: ClinVar variation 1460987 (VCV001460987.8), dbSNP rs1307691039, ClinGen allele CA344530821.

ClinVar aggregate classification (germline): Uncertain significance (1 of 4 stars; one submission).

Conditions:
Immunodeficiency, common variable, 7. Identifiers: Orphanet 1572, Orphanet 696894, MedGen C3542922, MONDO:0013862, OMIM 614699.

Allele frequency attached by ClinVar (database versions not stated): gnomAD exomes below 0.00001.
gnomAD v4.1: 1 of 1,613,866 alleles (0.000062%); highest among the groups gnomAD compares: Middle Eastern, 0.017%; no homozygotes.

Submission:

Labcorp Genetics (formerly Invitae), Labcorp
Classification: Uncertain significance for Immunodeficiency, common variable, 7. Last evaluated: 2020-12-30. Review status: criteria provided, single submitter. Criteria: Invitae Variant Classification Sherloc (09022015). Collection method: clinical testing. Allele origin: germline.
Comment: In summary, the available evidence is currently insufficient to determine the role of this variant in disease. Therefore, it has been classified as a Variant of Uncertain Significance. Algorithms developed to predict the effect of missense changes on protein structure and function (SIFT, PolyPhen-2, Align-GVGD) all suggest that this variant is likely to be tolerated, but these predictions have not been confirmed by published functional studies and their clinical significance is uncertain. This variant has not been reported in the literature in individuals with CR2-related conditions. This variant is not present in population databases (ExAC no frequency). This sequence change replaces alanine with threonine at codon 473 of the CR2 protein (p.Ala473Thr). The alanine residue is weakly conserved and there is a small physicochemical difference between alanine and threonine.